The following is an entry in ClinVar:

NM_000051.4(ATM):c.4466G>C (p.Arg1489Pro)

Gene: ATM (ATM serine/threonine kinase; plus strand). Cytogenetic location: 11q22.3.
Variant type: single nucleotide variant.
Coding change: c.4466G>C on transcript NM_000051.4 (MANE Select); coding-DNA position 4466, G replaced by C.
Protein change: p.Arg1489Pro; replaces arginine 1489 with proline.
Molecular consequence: missense variant.
Genome position (GRCh38, 1-based): chr11:108,292,648, G>C. VCF-style: chr11-108292648-G-C. GRCh37 (hg19) VCF-style: chr11-108163375-G-C.
Other names: c.4466G>C, p.Arg1489Pro (NM_001351834.2); short protein forms R1489P.
Identifiers: ClinVar variation 1740797 (VCV001740797.7), dbSNP rs201594549, ClinGen allele CA382533101.

ClinVar aggregate classification (germline): Uncertain significance. Review status: criteria provided, multiple submitters, no conflicts (2 of 4 stars). 2 submissions from 2 submitters: Uncertain significance (2). Last evaluated 2022-03-06.

Conditions:
Hereditary cancer-predisposing syndrome. Also called: Neoplastic Syndromes, Hereditary; Tumor predisposition; Hereditary Cancer Syndrome; Hereditary neoplastic syndrome. Identifiers: Orphanet 140162, MedGen C0027672, MeSH D009386, MONDO:0015356.
Ataxia-telangiectasia syndrome (AT). Also called: LOUIS-BAR SYNDROME; Cerebello-oculocutaneous telangiectasia; Immunodeficiency with ataxia telangiectasia; Ataxia-telangiectasia, complementation group D; AT, COMPLEMENTATION GROUP C; ATAXIA-TELANGIECTASIA, COMPLEMENTATION GROUP A. Identifiers: Orphanet 100, MedGen C0004135, MONDO:0008840, OMIM 208900.

Submissions (2):

Labcorp Genetics (formerly Invitae), Labcorp
Classification: Uncertain significance for Ataxia-telangiectasia syndrome. Last evaluated: 2022-03-06. Review status: criteria provided, single submitter. Criteria: Invitae Variant Classification Sherloc (09022015). Collection method: clinical testing. Allele origin: germline.
Comment: In summary, the available evidence is currently insufficient to determine the role of this variant in disease. Therefore, it has been classified as a Variant of Uncertain Significance. Advanced modeling of protein sequence and biophysical properties (such as structural, functional, and spatial information, amino acid conservation, physicochemical variation, residue mobility, and thermodynamic stability) performed at Invitae indicates that this missense variant is not expected to disrupt ATM protein function. This variant has not been reported in the literature in individuals affected with ATM-related conditions. This variant is not present in population databases (gnomAD no frequency). This sequence change replaces arginine, which is basic and polar, with proline, which is neutral and non-polar, at codon 1489 of the ATM protein (p.Arg1489Pro).

Ambry Genetics
Classification: Uncertain significance for Hereditary cancer-predisposing syndrome. Last evaluated: 2022-01-15. Review status: criteria provided, single submitter. Criteria: Ambry Variant Classification Scheme 2023. Collection method: clinical testing. Allele origin: germline.
Comment: The p.R1489P variant (also known as c.4466G>C), located in coding exon 29 of the ATM gene, results from a G to C substitution at nucleotide position 4466. The arginine at codon 1489 is replaced by proline, an amino acid with dissimilar properties. This amino acid position is conserved. In addition, this alteration is predicted to be deleterious by in silico analysis. Since supporting evidence is limited at this time, the clinical significance of this alteration remains unclear.